The following is an entry in ClinVar:

NM_001375567.1(FOCAD):c.948A>G (p.Leu316=)

Gene: FOCAD (focadhesin; plus strand). Cytogenetic location: 9p21.3.
Variant type: single nucleotide variant.
Coding change: c.948A>G on transcript NM_001375567.1 (MANE Select); coding-DNA position 948, A replaced by G.
Protein change: p.Leu316=; no amino-acid change (leucine 316 retained).
Molecular consequence: synonymous variant.
Genome position (GRCh38, 1-based): chr9:20,778,722, A>G. VCF-style: chr9-20778722-A-G. GRCh37 (hg19) VCF-style: chr9-20778721-A-G.
Other names: c.948A>G, p.Leu316= (NM_001375568.1, NM_017794.5); c.843A>G, p.Leu281= (NM_001375570.1).
Identifiers: ClinVar variation 3030968 (VCV003030968.4), dbSNP rs747833477, ClinGen allele CA5006553.
Genomic context (GRCh38, chr9:20,778,722, plus strand): 5'-TCCCCCTCTATTCTTTTAGGATTTTCCTGTTGAACTGGTCATAATTGGAATAGCTTTACT[A>G]CTTCTACAGACTCCAGCAAGTCAGCAGAAGCCAATCTTAAATCTAGGTAAATAAAAATAC-3'
Protein context (NP_001362496.1, residues 306-326): VELVIIGIAL[Leu316=]LLQTPASQQK

ClinVar aggregate classification (germline): Likely benign. Review status: criteria provided, single submitter (1 of 4 stars). 2 submissions from 2 submitters: Likely benign (1). 1 of the submissions does not count toward it. Last evaluated 2025-10-01.

Conditions:
FOCAD-related disorder. Also called: FOCAD-related condition.

Allele frequency attached by ClinVar (database versions not stated): gnomAD exomes 0.00001; TOPMed 0.00001; ExAC 0.00002; gnomAD 0.00001.
gnomAD v4.1: 20 of 1,612,200 alleles (0.0012%); highest among the groups gnomAD compares: Non-Finnish European, 0.0014%; no homozygotes.

Submissions (2):

Labcorp Genetics (formerly Invitae), Labcorp
Classification: Likely benign. Last evaluated: 2025-10-01. Review status: criteria provided, single submitter. Criteria: Invitae Variant Classification Sherloc (09022015). Collection method: clinical testing. Allele origin: germline.

PreventionGenetics, part of Exact Sciences
Classification: Likely benign for FOCAD-related condition. Last evaluated: 2022-10-05. Review status: no assertion criteria provided. Collection method: clinical testing. Allele origin: germline. Not counted in ClinVar's aggregate classification.
Comment: This variant is classified as likely benign based on ACMG/AMP sequence variant interpretation guidelines (Richards et al. 2015 PMID: 25741868, with internal and published modifications).